The following is an entry in ClinVar:

ClinVar aggregate classification (germline): Uncertain significance (1 of 4 stars; one submission).

Conditions:
Congenital myasthenic syndrome 12 (CMS12). Also called: Myasthenia, congenital, 12, with tubular aggregates; MYASTHENIC SYNDROME, CONGENITAL, WITH TUBULAR AGGREGATES 1. Identifiers: Orphanet 353327, Orphanet 590, MedGen C3552335, MONDO:0012518, OMIM 610542.

Submission:

Labcorp Genetics (formerly Invitae), Labcorp
Classification: Uncertain significance for Congenital myasthenic syndrome 12. Last evaluated: 2022-03-01. Review status: criteria provided, single submitter. Criteria: Invitae Variant Classification Sherloc (09022015). Collection method: clinical testing. Allele origin: germline.
Comment: In summary, the available evidence is currently insufficient to determine the role of this variant in disease. Therefore, it has been classified as a Variant of Uncertain Significance. Algorithms developed to predict the effect of missense changes on protein structure and function are either unavailable or do not agree on the potential impact of this missense change (SIFT: "Deleterious"; PolyPhen-2: "Benign"; Align-GVGD: "Class C0"). This variant has not been reported in the literature in individuals affected with GFPT1-related conditions. This variant is not present in population databases (gnomAD no frequency). This sequence change replaces glycine, which is neutral and non-polar, with glutamic acid, which is acidic and polar, at codon 196 of the GFPT1 protein (p.Gly196Glu).

NM_001244710.2(GFPT1):c.587G>A (p.Gly196Glu)

Gene: GFPT1 (glutamine--fructose-6-phosphate transaminase 1; minus strand). Cytogenetic location: 2p13.3.
Variant type: single nucleotide variant.
Coding change: c.587G>A on transcript NM_001244710.2 (MANE Select); coding-DNA position 587, G replaced by A.
Protein change: p.Gly196Glu; replaces glycine 196 with glutamic acid.
Molecular consequence: missense variant.
Genome position (GRCh38, 1-based): chr2:69,356,514, C>T on the plus strand (G>A on the coding strand, the complement: GFPT1 is on the minus strand). VCF-style: chr2-69356514-C-T. GRCh37 (hg19) VCF-style: chr2-69583646-C-T.
Other names: c.587G>A, p.Gly196Glu (NM_002056.4); short protein forms G196E.
Identifiers: ClinVar variation 1908426 (VCV001908426.5), dbSNP rs1201087895, ClinGen allele CA347130847.
Genomic context (GRCh38, chr2:69,356,514, plus strand): 5'-AATATGTTGAAATACATTAGTCATTGTTAGAGTTATATGTACCTTGTGCCAACTGCTTGC[C>T]CGGGAAAATGAACACTTTTAAACACAAGTGCAAAAGCACCTTCCTAGGGAGGGAAAAAAA-3'
Protein context (NP_001231639.1, residues 186-206): ALVFKSVHFP[Gly196Glu]QAVGTRRGSP